The following is an entry in ClinVar:

ClinVar aggregate classification (germline): Uncertain significance. Review status: criteria provided, single submitter (1 of 4 stars). 2 submissions from 2 submitters: Uncertain significance (1). 1 of the submissions does not count toward it. Last evaluated 2021-10-18.

Conditions:
LMO7-related disorder. Also called: LMO7-related condition.

Allele frequency attached by ClinVar (database versions not stated): TOPMed 0.00014; gnomAD 0.00019; ExAC 0.00028; ESP Exome Variant Server 0.00031.
gnomAD v4.1: 540 of 1,614,014 alleles (0.033%); highest among the groups gnomAD compares: Non-Finnish European, 0.042%; no homozygotes.

Submissions (2):

Ambry Genetics
Classification: Uncertain significance. Last evaluated: 2021-10-18. Review status: criteria provided, single submitter. Criteria: Ambry Variant Classification Scheme 2023. Collection method: clinical testing. Allele origin: germline.

PreventionGenetics, part of Exact Sciences
Classification: Uncertain significance for LMO7-related condition. Last evaluated: 2024-02-29. Review status: no assertion criteria provided. Collection method: clinical testing. Allele origin: germline. Not counted in ClinVar's aggregate classification.
Comment: The LMO7 c.4510C>T variant is predicted to result in the amino acid substitution p.Arg1504Cys. To our knowledge, this variant has not been reported in the literature. This variant is reported in 0.033% of alleles in individuals of European (Non-Finnish) descent in gnomAD. At this time, the clinical significance of this variant is uncertain due to the absence of conclusive functional and genetic evidence.

NM_001306080.2(LMO7):c.4510C>T (p.Arg1504Cys)

Gene: LMO7 (LIM domain 7; plus strand). Cytogenetic location: 13q22.2.
Variant type: single nucleotide variant.
Coding change: c.4510C>T on transcript NM_001306080.2 (MANE Select); coding-DNA position 4510, C replaced by T.
Protein change: p.Arg1504Cys; replaces arginine 1504 with cysteine.
Molecular consequence: missense variant.
Genome position (GRCh38, 1-based): chr13:75,853,237, C>T. VCF-style: chr13-75853237-C-T. GRCh37 (hg19) VCF-style: chr13-76427373-C-T.
Other names: c.3811C>T, p.Arg1271Cys (NM_001330583.1, NM_001366632.2, NM_015842.2); c.4384C>T, p.Arg1462Cys (NM_001366633.2); c.3529C>T, p.Arg1177Cys (NM_001366634.2, NM_001366636.2); c.3664C>T, p.Arg1222Cys (NM_005358.5); c.4510C>T (NM_001306080.1); short protein forms R1177C, R1504C, R1222C, R1271C, R1462C.
Identifiers: ClinVar variation 2357694 (VCV002357694.4), dbSNP rs146636938, ClinGen allele CA7006463.